The following is an entry in ClinVar:

ClinVar aggregate classification (germline): Uncertain significance. Review status: criteria provided, single submitter (1 of 4 stars). 2 submissions from 2 submitters: Uncertain significance (1). 1 of the submissions does not count toward it. Last evaluated 2022-03-19.

Conditions:
Absence seizure. Also called: Absence epilepsy. Identifiers: Orphanet 1941, MedGen C0014553.
Myoclonic epilepsy, juvenile, susceptibility to, 1. Also called: Myoclonic Epilepsy, Juvenile, 1; EJM1. Identifiers: MedGen C1850778, MONDO:0020752, OMIM 254770.
EFHC1-related disorder. Also called: EFHC1-related condition.

Allele frequency attached by ClinVar (database versions not stated): gnomAD exomes below 0.00001.
gnomAD v4.1: 3 of 1,614,080 alleles (0.00019%); highest among the groups gnomAD compares: South Asian, 0.0011%; no homozygotes.

Submissions (2):

Labcorp Genetics (formerly Invitae), Labcorp
Classification: Uncertain significance for Myoclonic epilepsy, juvenile, susceptibility to, 1; Absence seizure. Last evaluated: 2022-03-19. Review status: criteria provided, single submitter. Criteria: Invitae Variant Classification Sherloc (09022015). Collection method: clinical testing. Allele origin: germline.
Comment: In summary, the available evidence is currently insufficient to determine the role of this variant in disease. Therefore, it has been classified as a Variant of Uncertain Significance. Algorithms developed to predict the effect of missense changes on protein structure and function (SIFT, PolyPhen-2, Align-GVGD) all suggest that this variant is likely to be disruptive. ClinVar contains an entry for this variant (Variation ID: 357482). This variant has not been reported in the literature in individuals affected with EFHC1-related conditions. This variant is not present in population databases (gnomAD no frequency). This sequence change replaces tyrosine, which is neutral and polar, with cysteine, which is neutral and slightly polar, at codon 267 of the EFHC1 protein (p.Tyr267Cys).

PreventionGenetics, part of Exact Sciences
Classification: Uncertain significance for EFHC1-related condition. Last evaluated: 2024-06-24. Review status: no assertion criteria provided. Collection method: clinical testing. Allele origin: germline. Not counted in ClinVar's aggregate classification.
Comment: The EFHC1 c.800A>G variant is predicted to result in the amino acid substitution p.Tyr267Cys. This variant has been reported with uncertain significance in an individual with epilepsy and ataxia (Table S6, Ganapathy et al. 2019. PubMed ID: 31069529). This variant has not been reported in a large population database, indicating this variant is rare. At this time, the clinical significance of this variant is uncertain due to the absence of conclusive functional and genetic evidence.

NM_018100.4(EFHC1):c.800A>G (p.Tyr267Cys)

Gene: EFHC1 (EF-hand domain containing 1; plus strand). Cytogenetic location: 6p12.2.
Variant type: single nucleotide variant.
Coding change: c.800A>G on transcript NM_018100.4 (MANE Select); coding-DNA position 800, A replaced by G.
Protein change: p.Tyr267Cys; replaces tyrosine 267 with cysteine.
Molecular consequence: missense variant. On other transcripts: non-coding transcript variant (1).
Genome position (GRCh38, 1-based): chr6:52,454,171, A>G. VCF-style: chr6-52454171-A-G. GRCh37 (hg19) VCF-style: chr6-52318969-A-G.
Other names: c.743A>G, p.Tyr248Cys (NM_001172420.2); short protein forms Y267C, Y248C.
Identifiers: ClinVar variation 357482 (VCV000357482.16), dbSNP rs886061629, ClinGen allele CA10622466.